The following is an entry in ClinVar:

NM_001372106.1(DNAH10):c.6678G>A (p.Thr2226=)

Gene: DNAH10 (dynein axonemal heavy chain 10; plus strand). Cytogenetic location: 12q24.31.
Variant type: single nucleotide variant.
Coding change: c.6678G>A on transcript NM_001372106.1 (MANE Select); coding-DNA position 6678, G replaced by A.
Protein change: p.Thr2226=; no amino-acid change (threonine 2226 retained).
Molecular consequence: synonymous variant.
Genome position (GRCh38, 1-based): chr12:123,859,197, G>A. VCF-style: chr12-123859197-G-A. GRCh37 (hg19) VCF-style: chr12-124343744-G-A.
Other names: c.6324G>A, p.Thr2108= (NM_001083900.1, NM_207437.3).
Identifiers: ClinVar variation 3046716 (VCV003046716.2), dbSNP rs188449468, ClinGen allele CA6864293.

ClinVar aggregate classification (germline): Likely benign (0 of 4 stars; one submission).

Conditions:
DNAH10-related disorder. Also called: DNAH10-related condition.

Allele frequency attached by ClinVar (database versions not stated): gnomAD 0.00019; TOPMed 0.00019; 1000 Genomes Project 0.00020; ExAC 0.00025; 1000 Genomes Project 30x 0.00031; ESP Exome Variant Server 0.00033; gnomAD exomes 0.00035.
gnomAD v4.1: 528 of 1,612,276 alleles (0.033%); highest among the groups gnomAD compares: Middle Eastern, 0.066%; no homozygotes.

Submission:

PreventionGenetics, part of Exact Sciences
Classification: Likely benign for DNAH10-related condition. Last evaluated: 2019-02-21. Review status: no assertion criteria provided. Collection method: clinical testing. Allele origin: germline.
Comment: This variant is classified as likely benign based on ACMG/AMP sequence variant interpretation guidelines (Richards et al. 2015 PMID: 25741868, with internal and published modifications).